The following continues an entry in ClinVar:

NM_001267550.2(TTN):c.80701A>G (p.Ile26901Val)

ClinVar aggregate classification (germline): Conflicting classifications of pathogenicity. Uncertain significance (5); Benign (11); Likely benign (5).

Submissions 18 to 26 of 26:

GeneDx
Classification: Benign. Last evaluated: 2017-07-24. Review status: criteria provided, single submitter. Criteria: GeneDx Variant Classification (06012015). Collection method: clinical testing. Allele origin: germline. Affected: yes.
Comment: This variant is considered likely benign or benign based on one or more of the following criteria: it is a conservative change, it occurs at a poorly conserved position in the protein, it is predicted to be benign by multiple in silico algorithms, and/or has population frequency not consistent with disease.

Eurofins Ntd Llc (ga)
Classification: Benign. Last evaluated: 2017-06-22. Review status: criteria provided, single submitter. Criteria: EGL Classification Definitions 2015. Collection method: clinical testing. Allele origin: germline. Observed: 6 variant alleles, 6 heterozygotes.

Genomic Diagnostic Laboratory, Division of Genomic Diagnostics, Children's Hospital of Philadelphia
Classification: Uncertain significance. Last evaluated: 2015-07-10. Review status: criteria provided, single submitter. Criteria: DGD Variant Analysis Guidelines. Collection method: clinical testing. Allele origin: unknown.

Genetic Services Laboratory, University of Chicago
Classification: Uncertain significance. Last evaluated: 2014-10-31. Review status: criteria provided, single submitter. Criteria: ACMG Guidelines, 2015. Collection method: clinical testing. Allele origin: germline.

PreventionGenetics, part of Exact Sciences
Classification: Benign for TTN-related condition. Last evaluated: 2019-03-14. Review status: no assertion criteria provided. Collection method: clinical testing. Allele origin: germline. Not counted in ClinVar's aggregate classification.
Comment: This variant is classified as benign based on ACMG/AMP sequence variant interpretation guidelines (Richards et al. 2015 PMID: 25741868, with internal and published modifications).

Clinical Genetics DNA and cytogenetics Diagnostics Lab, Erasmus MC, Erasmus Medical Center
Classification: Likely benign. Review status: no assertion criteria provided. Collection method: clinical testing. Allele origin: germline. Affected: yes. Study: VKGL Data-share Consensus. Not counted in ClinVar's aggregate classification.

Clinical Genetics, Academic Medical Center
Classification: Benign. Review status: no assertion criteria provided. Collection method: clinical testing. Allele origin: germline. Affected: yes. Study: VKGL Data-share Consensus. Not counted in ClinVar's aggregate classification.

Diagnostic Laboratory, Department of Genetics, University Medical Center Groningen
Classification: Likely benign. Review status: no assertion criteria provided. Collection method: clinical testing. Allele origin: germline. Affected: yes. Study: VKGL Data-share Consensus. Not counted in ClinVar's aggregate classification.

Joint Genome Diagnostic Labs from Nijmegen and Maastricht, Radboudumc and MUMC+
Classification: Likely benign. Review status: no assertion criteria provided. Collection method: clinical testing. Allele origin: germline. Affected: yes. Study: VKGL Data-share Consensus. Not counted in ClinVar's aggregate classification.

Literature cited by the submitters: PubMed 24503780 (cited by 3 submitters); PubMed 26516846 (cited by Women's Health and Genetics/Laboratory Corporation of America, LabCorp); PubMed 28138913 (cited by Women's Health and Genetics/Laboratory Corporation of America, LabCorp).